The following is an entry in ClinVar:

ClinVar aggregate classification (germline): Likely benign. Review status: criteria provided, single submitter (1 of 4 stars). 2 submissions from 2 submitters: Likely benign (1). 1 of the submissions does not count toward it. Last evaluated 2026-01-07.

Conditions:
IFT74-related disorder. Also called: IFT74-related condition; IFT74-Related Disorders.

Allele frequency attached by ClinVar (database versions not stated): ExAC 0.00001; gnomAD exomes 0.00002; TOPMed 0.00002; gnomAD 0.00003.
gnomAD v4.1: 28 of 1,548,694 alleles (0.0018%); highest among the groups gnomAD compares: Middle Eastern, 0.017%; no homozygotes.

Submissions (2):

Labcorp Genetics (formerly Invitae), Labcorp
Classification: Likely benign. Last evaluated: 2026-01-07. Review status: criteria provided, single submitter. Criteria: Invitae Variant Classification Sherloc (09022015). Collection method: clinical testing. Allele origin: germline.

PreventionGenetics, part of Exact Sciences
Classification: Likely benign for IFT74-related condition. Last evaluated: 2023-10-04. Review status: no assertion criteria provided. Collection method: clinical testing. Allele origin: germline. Not counted in ClinVar's aggregate classification.
Comment: This variant is classified as likely benign based on ACMG/AMP sequence variant interpretation guidelines (Richards et al. 2015 PMID: 25741868, with internal and published modifications).

NM_025103.4(IFT74):c.480T>G (p.Leu160=)

Gene: IFT74 (intraflagellar transport 74; plus strand). Cytogenetic location: 9p21.2.
Variant type: single nucleotide variant.
Coding change: c.480T>G on transcript NM_025103.4 (MANE Select); coding-DNA position 480, T replaced by G.
Protein change: p.Leu160=; no amino-acid change (leucine 160 retained).
Molecular consequence: synonymous variant.
Genome position (GRCh38, 1-based): chr9:26,988,683, T>G. VCF-style: chr9-26988683-T-G. GRCh37 (hg19) VCF-style: chr9-26988681-T-G.
Other names: c.480T>G (NM_025103.2); c.480T>G, p.Leu160= (NM_001099222.3, NM_001099223.3, NM_001099224.3 and 1 more transcripts).
Identifiers: ClinVar variation 2199855 (VCV002199855.6), dbSNP rs756942936, ClinGen allele CA5014984.